The following is an entry in ClinVar:

NM_025243.4(SLC19A3):c.1019A>G (p.Asn340Ser)

Gene: SLC19A3 (solute carrier family 19 member 3; minus strand). Cytogenetic location: 2q36.3.
Variant type: single nucleotide variant.
Coding change: c.1019A>G on transcript NM_025243.4 (MANE Select); coding-DNA position 1019, A replaced by G.
Protein change: p.Asn340Ser; replaces asparagine 340 with serine.
Molecular consequence: missense variant.
Genome position (GRCh38, 1-based): chr2:227,696,042, T>C on the plus strand (A>G on the coding strand, the complement: SLC19A3 is on the minus strand). VCF-style: chr2-227696042-T-C. GRCh37 (hg19) VCF-style: chr2-228560758-T-C.
Other names: c.1019A>G, p.Asn340Ser (NM_001371411.1, NM_001371412.1); c.1007A>G, p.Asn336Ser (NM_001371413.1, NM_001371414.1); c.1019A>G (NM_025243.3); short protein forms N336S, N340S.
Identifiers: ClinVar variation 1440282 (VCV001440282.9), dbSNP rs1695423219, ClinGen allele CA350875957.
Genomic context (GRCh38, chr2:227,696,042, plus strand): 5'-AAAGAACCGGCATTGACAACTGAGAAGACCACCAGAGCCAGCTCTCCCAGAAGGTCCCAG[T>C]TGACTTTCACATAACCCACTGCAAAGGCAGCCACAGCCCCTGAAAAAAAACATTGAAGGC-3'
Protein context (NP_079519.1, residues 330-350): AAFAVGYVKV[Asn340Ser]WDLLGELALV

ClinVar aggregate classification (germline): Uncertain significance. Review status: criteria provided, multiple submitters, no conflicts (2 of 4 stars). 2 submissions from 2 submitters: Uncertain significance (2). Last evaluated 2023-02-15.

Conditions:
Inborn genetic diseases. Identifiers: MedGen C0950123, MeSH D030342.
Biotin-responsive basal ganglia disease (BTBGD). Also called: Thiamine metabolism dysfunction syndrome type 2; Thiamine Transporter-2 Deficiency; THIAMINE METABOLISM DYSFUNCTION SYNDROME 2 (BIOTIN- AND THIAMINE-RESPONSIVE TYPE); Thiamine metabolism dysfunction syndrome 2 (biotin- or thiamine-responsive encephalopathy type 2); thiamine-responsive encephalopathy. Identifiers: Orphanet 199348, Orphanet 65284, MedGen C1843807, MONDO:0011841, OMIM 607483.

Allele frequency attached by ClinVar (database versions not stated): gnomAD exomes below 0.00001.
gnomAD v4.1: 5 of 1,613,780 alleles (0.00031%); highest among the groups gnomAD compares: Non-Finnish European, 0.00017%; 1 homozygote.

Submissions (2):

Ambry Genetics
Classification: Uncertain significance for Inborn genetic diseases. Last evaluated: 2023-02-15. Review status: criteria provided, single submitter. Criteria: Ambry Variant Classification Scheme 2023. Collection method: clinical testing. Allele origin: germline.

Labcorp Genetics (formerly Invitae), Labcorp
Classification: Uncertain significance for Biotin-responsive basal ganglia disease. Last evaluated: 2021-04-09. Review status: criteria provided, single submitter. Criteria: Invitae Variant Classification Sherloc (09022015). Collection method: clinical testing. Allele origin: germline.
Comment: In summary, the available evidence is currently insufficient to determine the role of this variant in disease. Therefore, it has been classified as a Variant of Uncertain Significance. Advanced modeling of protein sequence and biophysical properties (such as structural, functional, and spatial information, amino acid conservation, physicochemical variation, residue mobility, and thermodynamic stability) performed at Invitae indicates that this missense variant is not expected to disrupt SLC19A3 protein function. This variant has not been reported in the literature in individuals with SLC19A3-related conditions. This variant is not present in population databases (ExAC no frequency). This sequence change replaces asparagine with serine at codon 340 of the SLC19A3 protein (p.Asn340Ser). The asparagine residue is moderately conserved and there is a small physicochemical difference between asparagine and serine.